The following is an entry in ClinVar:

NM_001844.5(COL2A1):c.531+10C>T

Gene: COL2A1 (collagen type II alpha 1 chain; minus strand). Cytogenetic location: 12q13.11.
Variant type: single nucleotide variant.
Coding change: c.531+10C>T on transcript NM_001844.5 (MANE Select); 10 bases into the intron after coding-DNA position 531, C replaced by T.
Molecular consequence: intron variant.
Genome position (GRCh38, 1-based): chr12:47,997,596, G>A on the plus strand (C>T on the coding strand, the complement: COL2A1 is on the minus strand). VCF-style: chr12-47997596-G-A. GRCh37 (hg19) VCF-style: chr12-48391379-G-A.
Other names: c.324+10C>T (NM_033150.3).
Identifiers: ClinVar variation 796843 (VCV000796843.11), dbSNP rs753563783, ClinGen allele CA6535906.

ClinVar aggregate classification (germline): Likely benign. Review status: criteria provided, multiple submitters, no conflicts (2 of 4 stars). 2 submissions from 2 submitters: Likely benign (2). Last evaluated 2026-04-01.

Conditions:
COL2A1-related disorder. Also called: COL2A1-related condition; COL2A1-related disorders.

Allele frequency attached by ClinVar (database versions not stated): gnomAD exomes 0.00003 and 0.00005; TOPMed 0.00003; ExAC 0.00005.
gnomAD v4.1: 15 of 1,613,874 alleles (0.00093%); highest among the groups gnomAD compares: Admixed American, 0.025%; no homozygotes.

Submissions (2):

PreventionGenetics, part of Exact Sciences
Classification: Likely benign for COL2A1-related condition. Last evaluated: 2026-04-01. Review status: criteria provided, single submitter. Criteria: ACMG Guidelines, 2015. Collection method: clinical testing. Allele origin: germline.
Comment: This variant is classified as likely benign based on ACMG/AMP sequence variant interpretation guidelines (Richards et al. 2015 PMID: 25741868, with internal and published modifications).

Labcorp Genetics (formerly Invitae), Labcorp
Classification: Likely benign. Last evaluated: 2025-04-02. Review status: criteria provided, single submitter. Criteria: Invitae Variant Classification Sherloc (09022015). Collection method: clinical testing. Allele origin: germline.